The following is an entry in ClinVar:

ClinVar aggregate classification (germline): Uncertain significance. Review status: criteria provided, multiple submitters, no conflicts (2 of 4 stars). 6 submissions from 6 submitters: Uncertain significance (6). Last evaluated 2025-05-21.

Conditions:
Central core myopathy (CMYO1A). Also called: CONGENITAL MYOPATHY 1A, AUTOSOMAL DOMINANT, WITH SUSCEPTIBILITY TO MALIGNANT HYPERTHERMIA; Central core disease; Myopathy, central fibrillar. Identifiers: Orphanet 597, MedGen C5830701, MONDO:0007294, OMIM 117000.
RYR1-related disorder. Also called: RYR1-related condition; RYR1-related disorders. Identifiers: MedGen CN239331.
Malignant hyperthermia, susceptibility to, 1 (MHS1). Also called: Malignant hyperthermia suceptibility 1; RYR1-Related Malignant Hyperthermia Susceptibility; Anesthesia related hyperthermia; Malignant hyperpyrexia; Fulminating hyperpyrexia; Pharmacogenic myopathy. Identifiers: Orphanet 423, MedGen C2930980, MONDO:0007783, OMIM 145600.

Allele frequency attached by ClinVar (database versions not stated): gnomAD exomes 0.00001 and 0.00002; ExAC 0.00002; gnomAD 0.00002 and 0.00003; TOPMed 0.00002; ESP Exome Variant Server 0.00015.
gnomAD v4.1: 19 of 1,612,138 alleles (0.0012%); highest among the groups gnomAD compares: African/African-American, 0.0053%; no homozygotes.

Submissions (6):

Labcorp Genetics (formerly Invitae), Labcorp
Classification: Uncertain significance for RYR1-related disorder. Last evaluated: 2025-05-21. Review status: criteria provided, single submitter. Criteria: Invitae Variant Classification Sherloc (09022015). Collection method: clinical testing. Allele origin: germline.
Comment: This sequence change replaces arginine, which is basic and polar, with tryptophan, which is neutral and slightly polar, at codon 2118 of the RYR1 protein (p.Arg2118Trp). This variant is present in population databases (rs148660840, gnomAD 0.01%). This missense change has been observed in individual(s) with centronuclear myopathy (PMID: 25957634, 35428369). ClinVar contains an entry for this variant (Variation ID: 808548). Invitae Evidence Modeling of protein sequence and biophysical properties (such as structural, functional, and spatial information, amino acid conservation, physicochemical variation, residue mobility, and thermodynamic stability) indicates that this missense variant is expected to disrupt RYR1 protein function with a positive predictive value of 80%. In summary, the available evidence is currently insufficient to determine the role of this variant in disease. Therefore, it has been classified as a Variant of Uncertain Significance.

Women's Health and Genetics/Laboratory Corporation of America, LabCorp
Classification: Uncertain significance. Last evaluated: 2024-04-23. Review status: criteria provided, single submitter. Criteria: LabCorp Variant Classification Summary - May 2015. Collection method: clinical testing. Allele origin: germline.
Comment: Variant summary: RYR1 c.6352C>T (p.Arg2118Trp) results in a non-conservative amino acid change located in the Ryanodine receptor, junctional solenoid domain (IPR048581) of the encoded protein sequence. Five of five in-silico tools predict a damaging effect of the variant on protein function. The variant allele was found at a frequency of 2e-05 in 249880 control chromosomes. The available data on variant occurrences in the general population are insufficient to allow any conclusion about variant significance. c.6352C>T has been reported in the literature in compound heterozygous individuals affected with core or centronuclear myopathy who each carry two additional RYR1 variants, in at least one individual with alternate variants in cis and trans to the variant or in another individual with unreported phasing (e.g. Fattori_2015, Fusto_2022). These reports do not provide unequivocal conclusions about association of the variant with Congenital Multicore Myopathy With External Ophthalmoplegia. To our knowledge, no experimental evidence demonstrating an impact on protein function has been reported. The following publications have been ascertained in the context of this evaluation (PMID: 25957634, 35428369). ClinVar contains an entry for this variant (Variation ID: 808548). Based on the evidence outlined above, the variant was classified as uncertain significance.

Color Diagnostics, LLC DBA Color Health
Classification: Uncertain significance for Malignant hyperthermia, susceptibility to, 1. Last evaluated: 2024-03-26. Review status: criteria provided, single submitter. Criteria: ACMG Guidelines, 2015. Collection method: clinical testing. Allele origin: germline.
Comment: This missense variant replaces arginine with tryptophan at codon 2118 of the RYR1 protein. Computational prediction is inconclusive regarding the impact of this variant on protein structure and function. This variant occurs in a region of the RYR1 protein that is considered to be a hotspot for pathogenic variants that contribute to malignant hyperthermia susceptibility (PMID: 21118704). To our knowledge, functional studies have not been reported for this variant. This variant has not been reported in individuals affected with autosomal dominant malignant hyperthermia in the literature, although it is associated with other phenotype(s) (PMID: 25957634, 35428369, 38162159). This variant has been identified in 6/281262 chromosomes in the general population by the Genome Aggregation Database (gnomAD). Due to insufficient evidence, this variant is classified as a Variant of Uncertain Significance for autosomal dominant malignant hyperthermia.

All of Us Research Program, National Institutes of Health
Classification: Uncertain significance for Malignant hyperthermia, susceptibility to, 1. Last evaluated: 2024-01-11. Review status: criteria provided, single submitter. Criteria: ACMG Guidelines, 2015. Collection method: clinical testing. Allele origin: germline. Inheritance: Autosomal dominant inheritance. Observed: 3 variant alleles, 3 heterozygotes.
Comment: This study involves interpretation of variants in research participants for the purpose of population health screening. Participant phenotype was not available at the time of variant classification. Additional details can be found in publication PMID: 35346344, PMCID: PMC8962531

Baylor Genetics
Classification: Uncertain significance for Central core myopathy. Last evaluated: 2019-08-15. Review status: criteria provided, single submitter. Criteria: ACMG Guidelines, 2015. Collection method: clinical testing. Allele origin: unknown. Affected: yes.
Comment: This variant was determined to be of uncertain significance according to ACMG Guidelines, 2015 [PMID:25741868].

CeGaT Center for Human Genetics Tuebingen
Classification: Uncertain significance. Last evaluated: 2019-03-01. Review status: criteria provided, single submitter. Criteria: CeGaT Center For Human Genetics Tuebingen Variant Classification Criteria Version 2. Collection method: clinical testing. Allele origin: germline. Affected: yes. Observed: 1 variant allele.

Literature cited by the submitters: PubMed 25957634 (cited by 3 submitters); PubMed 35428369 (cited by 3 submitters); PubMed 21118704 (cited by Color Diagnostics, LLC DBA Color Health); PubMed 38162159 (cited by Color Diagnostics, LLC DBA Color Health).

NM_000540.3(RYR1):c.6352C>T (p.Arg2118Trp)

Gene: RYR1 (ryanodine receptor 1; plus strand). Cytogenetic location: 19q13.2.
Variant type: single nucleotide variant.
Coding change: c.6352C>T on transcript NM_000540.3 (MANE Select); coding-DNA position 6352, C replaced by T.
Protein change: p.Arg2118Trp; replaces arginine 2118 with tryptophan.
Molecular consequence: missense variant.
Genome position (GRCh38, 1-based): chr19:38,494,429, C>T. VCF-style: chr19-38494429-C-T. GRCh37 (hg19) VCF-style: chr19-38985069-C-T.
Other names: c.6352C>T, p.Arg2118Trp (NM_001042723.2); short protein forms R2118W.
Identifiers: ClinVar variation 808548 (VCV000808548.53), dbSNP rs148660840, ClinGen allele CA068146.